The following is an entry in ClinVar:

NM_000070.3(CAPN3):c.883_886dup (p.Asn296delinsArgTer)

Gene: CAPN3 (calpain 3; plus strand). Cytogenetic location: 15q15.1.
Variant type: Duplication.
Coding change: c.883_886dup on transcript NM_000070.3 (MANE Select); coding-DNA positions 883 to 886, 4 bases duplicated (GATA; older notation c.883_886dupGATA).
Protein change: p.Asn296delinsArgTer.
Molecular consequence: nonsense. On other transcripts: frameshift variant (1), intron variant (1).
Genome position (GRCh38, 1-based): chr15:42,390,034-42,390,037, GATA duplicated. VCF-style (leftmost placement, unchanged base first): chr15-42390033-G-GGATA. GRCh37 (hg19) VCF-style: chr15-42682231-G-GGATA.
Other names: c.883_886dupGATA (NM_000070.2); c.883_886dup, p.Asn296delinsArgTer (NM_024344.2); c.622_625dup, p.Asn209Argfs (NM_212464.2); c.*576_*579dup (NM_212467.2); c.801+938_801+941dup (NM_173087.2).
Identifiers: ClinVar variation 3240990 (VCV003240990.3), dbSNP rs863224966.
Genomic context (GRCh38, chr15:42,390,033, plus strand): 5'-TGGAACCTCTCCTTCTGGTCTGAACATGGGGGAGTTGATTGCACGGATGGTAAGGAATAT[G>GGATA]GATAACTCACTGCTCCAGGACTCAGACCTCGACCCCAGAGGCTCAGATGAAAGACCGACC-3'

ClinVar aggregate classification (germline): Likely pathogenic. Review status: criteria provided, multiple submitters, no conflicts (2 of 4 stars). 3 submissions from 3 submitters: Likely pathogenic (3). Last evaluated 2025-03-17.

Conditions:
Autosomal recessive limb-girdle muscular dystrophy type 2A (LGMDR1). Also called: Limb-girdle muscular dystrophy, type 2A; Calpainopathy; LEYDEN-MOEBIUS MUSCULAR DYSTROPHY; MUSCULAR DYSTROPHY, PELVOFEMORAL; Muscular dystrophy, limb-girdle, type 2A, Amish. Identifiers: Orphanet 267, MedGen C1869123, MONDO:0009675, OMIM 253600. Disease mechanism: loss of function.
Muscular dystrophy, limb-girdle, autosomal dominant 4. Also called: Calpain-3-related limb-girdle muscular dystrophy D4; MUSCULAR DYSTROPHY, LIMB-GIRDLE, TYPE 1I. Identifiers: Orphanet 565909, MedGen C4748295, MONDO:0029133, OMIM 618129.

Submissions (3):

Natera, Inc.
Classification: Likely pathogenic for Limb-girdle muscular dystrophy type 2A. Last evaluated: 2025-03-17. Review status: criteria provided, single submitter. Criteria: Natera Variant Classification Schema (03/2026). Collection method: clinical testing. Allele origin: germline.
Comment: The c.883_886dupGATA variant in CAPN3 is a frameshift variant predicted to shift the reading frame beginning at codon 296 and leads to a stop codon 2 codons downstream. This variant is expected to result in nonsense mediated decay, truncation, or a dysfunctional protein product. This variant is rare in the general population with a frequency below the threshold expected for the associated phenotype(s). Given the available evidence, this variant is classified as Likely Pathogenic.

Fulgent Genetics
Classification: Likely pathogenic for Autosomal recessive limb-girdle muscular dystrophy type 2A; Muscular dystrophy, limb-girdle, autosomal dominant 4. Last evaluated: 2024-05-03. Review status: criteria provided, single submitter. Criteria: ACMG Guidelines, 2015. Collection method: clinical testing. Allele origin: germline.

Baylor Genetics
Classification: Likely pathogenic for Muscular dystrophy, limb-girdle, autosomal dominant 4. Last evaluated: 2024-03-21. Review status: criteria provided, single submitter. Criteria: ACMG Guidelines, 2015. Collection method: clinical testing. Allele origin: unknown.